The following is an entry in ClinVar:

NM_006118.4(HAX1):c.182T>C (p.Phe61Ser)

Gene: HAX1 (HCLS1 associated protein X-1; plus strand). Cytogenetic location: 1q21.3.
Variant type: single nucleotide variant.
Coding change: c.182T>C on transcript NM_006118.4 (MANE Select); coding-DNA position 182, T replaced by C.
Protein change: p.Phe61Ser; replaces phenylalanine 61 with serine.
Molecular consequence: missense variant. On other transcripts: intron variant (1).
Genome position (GRCh38, 1-based): chr1:154,273,464, T>C. VCF-style: chr1-154273464-T-C. GRCh37 (hg19) VCF-style: chr1-154245940-T-C.
Other names: c.54-16T>C (NM_001018837.2); c.182T>C (NM_006118.3); short protein forms F61S.
Identifiers: ClinVar variation 1430310 (VCV001430310.27), dbSNP rs146452018, ClinGen allele CA1127283.

ClinVar aggregate classification (germline): Uncertain significance. Review status: criteria provided, multiple submitters, no conflicts (2 of 4 stars). 3 submissions from 3 submitters: Uncertain significance (3). Last evaluated 2024-12-09.

Conditions:
Inborn genetic diseases. Identifiers: MedGen C0950123, MeSH D030342.
Kostmann syndrome (SCN3). Also called: KOSTMANN DISEASE; Autosomal recessive severe congenital neutropenia type 3. Identifiers: Orphanet 99749, MedGen C5235141, MONDO:0012548, OMIM 610738.

Allele frequency attached by ClinVar (database versions not stated): ESP Exome Variant Server 0.00015.
gnomAD v4.1: 28 of 1,614,020 alleles (0.0017%); highest among the groups gnomAD compares: South Asian, 0.0044%; no homozygotes.

Submissions (3):

Ambry Genetics
Classification: Uncertain significance for Inborn genetic diseases. Last evaluated: 2024-12-09. Review status: criteria provided, single submitter. Criteria: Ambry Variant Classification Scheme 2023. Collection method: clinical testing. Allele origin: germline.
Comment: The p.F61S variant (also known as c.182T>C), located in coding exon 2 of the HAX1 gene, results from a T to C substitution at nucleotide position 182. The phenylalanine at codon 61 is replaced by serine, an amino acid with highly dissimilar properties. This amino acid position is conserved. In addition, the in silico prediction for this alteration is inconclusive. Based on the available evidence, the clinical significance of this variant remains unclear.

CeGaT Center for Human Genetics Tuebingen
Classification: Uncertain significance. Last evaluated: 2024-01-01. Review status: criteria provided, single submitter. Criteria: CeGaT Center For Human Genetics Tuebingen Variant Classification Criteria Version 2. Collection method: clinical testing. Allele origin: germline. Affected: yes. Observed: 1 variant allele.
Comment: HAX1: PM2, BP1

Labcorp Genetics (formerly Invitae), Labcorp
Classification: Uncertain significance for Kostmann syndrome. Last evaluated: 2021-12-09. Review status: criteria provided, single submitter. Criteria: Invitae Variant Classification Sherloc (09022015). Collection method: clinical testing. Allele origin: germline.
Comment: This sequence change replaces phenylalanine, which is neutral and non-polar, with serine, which is neutral and polar, at codon 61 of the HAX1 protein (p.Phe61Ser). This variant is present in population databases (rs146452018, gnomAD 0.004%). This variant has not been reported in the literature in individuals affected with HAX1-related conditions. Algorithms developed to predict the effect of missense changes on protein structure and function (SIFT, PolyPhen-2, Align-GVGD) all suggest that this variant is likely to be tolerated. In summary, the available evidence is currently insufficient to determine the role of this variant in disease. Therefore, it has been classified as a Variant of Uncertain Significance.